The following is an entry in ClinVar:

ClinVar aggregate classification (germline): Uncertain significance (1 of 4 stars; one submission).

Conditions:
FGFR2-related craniosynostosis. Identifiers: MedGen CN231480.

gnomAD v4.1: 21 of 1,614,044 alleles (0.0013%); highest among the groups gnomAD compares: African/African-American, 0.008%; no homozygotes.

Submission:

Labcorp Genetics (formerly Invitae), Labcorp
Classification: Uncertain significance for FGFR2-related craniosynostosis. Last evaluated: 2024-12-23. Review status: criteria provided, single submitter. Criteria: Invitae Variant Classification Sherloc (09022015). Collection method: clinical testing. Allele origin: germline.
Comment: This sequence change replaces threonine, which is neutral and polar, with methionine, which is neutral and non-polar, at codon 403 of the FGFR2 protein (p.Thr403Met). This variant is present in population databases (rs753437208, gnomAD 0.01%). This variant has not been reported in the literature in individuals affected with FGFR2-related conditions. Invitae Evidence Modeling of protein sequence and biophysical properties (such as structural, functional, and spatial information, amino acid conservation, physicochemical variation, residue mobility, and thermodynamic stability) indicates that this missense variant is not expected to disrupt FGFR2 protein function with a negative predictive value of 80%. In summary, the available evidence is currently insufficient to determine the role of this variant in disease. Therefore, it has been classified as a Variant of Uncertain Significance.

NM_000141.5(FGFR2):c.1208C>T (p.Thr403Met)

Gene: FGFR2 (fibroblast growth factor receptor 2; minus strand). Cytogenetic location: 10q26.13.
Variant type: single nucleotide variant.
Coding change: c.1208C>T on transcript NM_000141.5 (MANE Select); coding-DNA position 1208, C replaced by T.
Protein change: p.Thr403Met; replaces threonine 403 with methionine.
Molecular consequence: missense variant. On other transcripts: non-coding transcript variant (1), intron variant (1).
Genome position (GRCh38, 1-based): chr10:121,515,196, G>A on the plus strand (C>T on the coding strand, the complement: FGFR2 is on the minus strand). VCF-style: chr10-121515196-G-A. GRCh37 (hg19) VCF-style: chr10-123274710-G-A.
Other names: c.1211C>T, p.Thr404Met (NM_001144913.1, NM_022970.4); c.872C>T, p.Thr291Met (NM_001144914.1); c.941C>T, p.Thr314Met (NM_001144915.2, NM_023029.3); c.863C>T, p.Thr288Met (NM_001144916.2, NM_001144918.2); c.944C>T, p.Thr315Met (NM_001144919.2); c.524C>T, p.Thr175Met (NM_001320654.2); c.1208C>T, p.Thr403Met (NM_001320658.2); c.939+4783C>T (NM_001144917.2); short protein forms T291M, T315M, T403M, T288M, T175M, T314M, T404M.
Identifiers: ClinVar variation 3667221 (VCV003667221.2).